The following is an entry in ClinVar:

ClinVar aggregate classification (germline): Likely pathogenic. Review status: criteria provided, multiple submitters, no conflicts (2 of 4 stars). 2 submissions from 2 submitters: Likely pathogenic (2). Last evaluated 2024-04-01.

Conditions:
Intellectual developmental disorder, autosomal dominant 64. Also called: MENTAL RETARDATION, AUTOSOMAL DOMINANT 64. Identifiers: MedGen C5543067, MONDO:0030934, OMIM 619188.

Submissions (2):

GeneDx
Classification: Likely pathogenic. Last evaluated: 2024-04-01. Review status: criteria provided, single submitter. Criteria: GeneDx Variant Classification Process June 2021. Collection method: clinical testing. Allele origin: germline. Affected: yes.
Comment: Frameshift variant predicted to result in protein truncation, as the last 934 amino acids are replaced with 7 different amino acids, and other loss-of-function variants have been reported downstream in HGMD; Not observed at significant frequency in large population cohorts (gnomAD); Has not been previously published as pathogenic or benign to our knowledge

3billion
Classification: Likely pathogenic for Intellectual developmental disorder, autosomal dominant 64. Review status: criteria provided, single submitter. Criteria: ACMG Guidelines, 2015. Collection method: clinical testing. Allele origin: unknown. Affected: yes. Observed: 1 heterozygote.
Comment: The variant is not observed in the gnomAD v2.1.1 dataset. The variant is predicted to result in a loss or disruption of normal protein function through protein truncation. Multiple pathogenic variants are reported in the predicted truncated region. Therefore, this variant is classified as Likely pathogenic according to the recommendation of ACMG/AMP guideline.

NM_015021.3(ZNF292):c.5367_5370del (p.Asn1790fs)

Gene: ZNF292 (zinc finger protein 292; plus strand). Cytogenetic location: 6q14.3.
Variant type: Microsatellite.
Coding change: c.5367_5370del on transcript NM_015021.3 (MANE Select); coding-DNA positions 5367 to 5370, 4 bases deleted (AAAT; older notation c.5367_5370delAAAT).
Protein change: p.Asn1790fs; shifts the reading frame from asparagine 1790.
Molecular consequence: frameshift variant.
Genome position (GRCh38, 1-based): chr6:87,258,996-87,258,999, AAAT deleted; deleting any 4 consecutive bases within chr6:87,258,992-87,258,999 gives the same sequence; the c. name uses the placement nearest the transcript's 3' end. VCF-style (leftmost placement, unchanged base first): chr6-87258991-CAAAT-C. GRCh37 (hg19) VCF-style: chr6-87968709-CAAAT-C.
Other names: c.4947_4950del, p.Asn1650fs (NM_001351444.2); c.5367_5370del (NM_015021.1); short protein forms N1650fs, N1790fs.
Identifiers: ClinVar variation 2572393 (VCV002572393.2), dbSNP rs2482341145, ClinGen allele CA1091490935.